The following is an entry in ClinVar:

ClinVar aggregate classification (germline): Uncertain significance (1 of 4 stars; one submission).

Conditions:
EGFR-related lung cancer (EGFR). Identifiers: MedGen CN130014.

Submission:

Labcorp Genetics (formerly Invitae), Labcorp
Classification: Uncertain significance for EGFR-related lung cancer. Last evaluated: 2022-08-22. Review status: criteria provided, single submitter. Criteria: Invitae Variant Classification Sherloc (09022015). Collection method: clinical testing. Allele origin: germline.
Comment: This sequence change replaces glutamine, which is neutral and polar, with lysine, which is basic and polar, at codon 1164 of the EGFR protein (p.Gln1164Lys). This variant is not present in population databases (gnomAD no frequency). In summary, the available evidence is currently insufficient to determine the role of this variant in disease. Therefore, it has been classified as a Variant of Uncertain Significance. Algorithms developed to predict the effect of missense changes on protein structure and function (SIFT, PolyPhen-2, Align-GVGD) all suggest that this variant is likely to be tolerated. ClinVar contains an entry for this variant (Variation ID: 1016864). This variant has not been reported in the literature in individuals affected with EGFR-related conditions.

NM_005228.5(EGFR):c.3490C>A (p.Gln1164Lys)

Gene: EGFR (epidermal growth factor receptor; plus strand). Cytogenetic location: 7p11.2.
Variant type: single nucleotide variant.
Coding change: c.3490C>A on transcript NM_005228.5 (MANE Select); coding-DNA position 3490, C replaced by A.
Protein change: p.Gln1164Lys; replaces glutamine 1164 with lysine.
Molecular consequence: missense variant.
Genome position (GRCh38, 1-based): chr7:55,205,474, C>A. VCF-style: chr7-55205474-C-A. GRCh37 (hg19) VCF-style: chr7-55273167-C-A.
Other names: c.3355C>A, p.Gln1119Lys (NM_001346899.2); c.3331C>A, p.Gln1111Lys (NM_001346900.2); c.2689C>A, p.Gln897Lys (NM_001346941.2); short protein forms Q1111K, Q1119K, Q1164K, Q897K.
Identifiers: ClinVar variation 1016864 (VCV001016864.8), dbSNP rs1788073780, ClinGen allele CA367584733.